The following is an entry in ClinVar:

ClinVar aggregate classification (germline): Conflicting classifications of pathogenicity. Review status: criteria provided, conflicting classifications (1 of 4 stars). 5 submissions from 5 submitters: Uncertain significance (4); Likely benign (1). Last evaluated 2026-07-30.

Conditions:
Hereditary cancer-predisposing syndrome. Also called: Neoplastic Syndromes, Hereditary; Hereditary Cancer Syndrome; Tumor predisposition; Hereditary neoplastic syndrome. Identifiers: Orphanet 140162, MedGen C0027672, MeSH D009386, MONDO:0015356.
Peutz-Jeghers syndrome (PJS). Also called: Peutz-Jeghers polyposis; Periorificial lentiginosis syndrome; POLYPOSIS, HAMARTOMATOUS INTESTINAL; POLYPS-AND-SPOTS SYNDROME. Identifiers: Orphanet 2869, MedGen C0031269, MeSH D010580, MONDO:0008280, OMIM 175200.

Allele frequency attached by ClinVar (database versions not stated): gnomAD exomes below 0.00001.
gnomAD v4.1: 2 of 1,568,816 alleles (0.00013%); highest among the groups gnomAD compares: South Asian, 0.0012%; no homozygotes.

Submissions (5):

Ambry Genetics
Classification: Likely benign for Hereditary cancer-predisposing syndrome. Last evaluated: 2026-07-30. Review status: criteria provided, single submitter. Criteria: Ambry Variant Classification Scheme 2023. Collection method: clinical testing. Allele origin: germline.

Color Diagnostics, LLC DBA Color Health
Classification: Uncertain significance for Hereditary cancer-predisposing syndrome. Last evaluated: 2025-05-28. Review status: criteria provided, single submitter. Criteria: ACMG Guidelines, 2015. Collection method: clinical testing. Allele origin: germline.
Comment: This missense variant replaces proline with serine at codon 315 of the STK11 protein. Computational prediction suggests that this variant may not impact protein structure and function. An experimental functional study demonstrated that this variant did not impair complex formation of a STK11/STRADA/CAB39 heterotrimer or significantly impact the kinase activation of a heterotrimeric AMPK complex (PMID: 19892943). This variant has not been reported in individuals affected with hereditary cancer in the literature. This variant has not been identified in the general population by the Genome Aggregation Database (gnomAD). The available evidence is insufficient to determine the role of this variant in disease conclusively. Therefore, this variant is classified as a Variant of Uncertain Significance.

Labcorp Genetics (formerly Invitae), Labcorp
Classification: Uncertain significance for Peutz-Jeghers syndrome. Last evaluated: 2024-07-08. Review status: criteria provided, single submitter. Criteria: Invitae Variant Classification Sherloc (09022015). Collection method: clinical testing. Allele origin: germline.
Comment: This sequence change replaces proline, which is neutral and non-polar, with serine, which is neutral and polar, at codon 315 of the STK11 protein (p.Pro315Ser). This variant is not present in population databases (gnomAD no frequency). This variant has not been reported in the literature in individuals affected with STK11-related conditions. ClinVar contains an entry for this variant (Variation ID: 185756). Advanced modeling of protein sequence and biophysical properties (such as structural, functional, and spatial information, amino acid conservation, physicochemical variation, residue mobility, and thermodynamic stability) performed at Invitae indicates that this missense variant is not expected to disrupt STK11 protein function with a negative predictive value of 95%. Experimental studies have shown that this missense change does not substantially affect STK11 function (PMID: 19892943). In summary, the available evidence is currently insufficient to determine the role of this variant in disease. Therefore, it has been classified as a Variant of Uncertain Significance.

All of Us Research Program, National Institutes of Health
Classification: Uncertain significance for Peutz-Jeghers syndrome. Last evaluated: 2023-05-30. Review status: criteria provided, single submitter. Criteria: ACMG Guidelines, 2015. Collection method: clinical testing. Allele origin: germline. Inheritance: Autosomal dominant inheritance. Observed: 1 variant allele, 1 heterozygote.
Comment: This missense variant replaces proline with serine at codon 315 of the STK11 protein. Computational prediction suggests that this variant may not impact protein structure and function (internally defined REVEL score threshold <= 0.5, PMID: 27666373). An experimental functional study demonstrated that this variant did not impair complex formation of a STK11/STRADA/CAB39 heterotrimer or significantly impact the kinase activation of a heterotrimeric AMPK complex (PMID: 19892943). This variant has not been reported in individuals affected with hereditary cancer in the literature. This variant has not been identified in the general population by the Genome Aggregation Database (gnomAD). The available evidence is insufficient to determine the role of this variant in disease conclusively. Therefore, this variant is classified as a Variant of Uncertain Significance.

This study involves interpretation of variants in research participants for the purpose of population health screening. Participant phenotype was not available at the time of variant classification. Additional details can be found in publication PMID: 35346344, PMCID: PMC8962531

Genome-Nilou Lab
Classification: Uncertain significance for Peutz-Jeghers syndrome. Last evaluated: 2021-07-15. Review status: criteria provided, single submitter. Criteria: ACMG Guidelines, 2015. Collection method: clinical testing. Allele origin: germline. Affected: no.

Literature cited by the submitters: PubMed 19892943 (cited by 4 submitters).

NM_000455.5(STK11):c.943C>T (p.Pro315Ser)

Gene: STK11 (serine/threonine kinase 11; plus strand). Cytogenetic location: 19p13.3.
Variant type: single nucleotide variant.
Coding change: c.943C>T on transcript NM_000455.5 (MANE Select); coding-DNA position 943, C replaced by T.
Protein change: p.Pro315Ser; replaces proline 315 with serine.
Molecular consequence: missense variant.
Genome position (GRCh38, 1-based): chr19:1,223,007, C>T. VCF-style: chr19-1223007-C-T. GRCh37 (hg19) VCF-style: chr19-1223006-C-T.
Other names: short protein forms P315S.
Identifiers: ClinVar variation 185756 (VCV000185756.18), dbSNP rs786202431, ClinGen allele CA023371.